The following is an entry in ClinVar:

NM_000193.4(SHH):c.488G>A (p.Arg163His)

Gene: SHH (sonic hedgehog signaling molecule; minus strand). Cytogenetic location: 7q36.3.
Variant type: single nucleotide variant.
Coding change: c.488G>A on transcript NM_000193.4 (MANE Select); coding-DNA position 488, G replaced by A.
Protein change: p.Arg163His; replaces arginine 163 with histidine.
Molecular consequence: missense variant. On other transcripts: non-coding transcript variant (2).
Genome position (GRCh38, 1-based): chr7:155,806,370, C>T on the plus strand (G>A on the coding strand, the complement: SHH is on the minus strand). VCF-style: chr7-155806370-C-T. GRCh37 (hg19) VCF-style: chr7-155599064-C-T.
Other names: c.227G>A, p.Arg76His (NM_001310462.2); short protein forms R76H, R163H.
Identifiers: ClinVar variation 2183350 (VCV002183350.4), dbSNP rs141313715, ClinGen allele CA4587016.

ClinVar aggregate classification (germline): Uncertain significance (1 of 4 stars; one submission).

Conditions:
Holoprosencephaly 3 (HPE3). Identifiers: Orphanet 2162, MedGen C1840529, MONDO:0007733, OMIM 142945.

Allele frequency attached by ClinVar (database versions not stated): gnomAD 0.00002; TOPMed 0.00002; ESP Exome Variant Server 0.00015.

Submission:

Labcorp Genetics (formerly Invitae), Labcorp
Classification: Uncertain significance for Holoprosencephaly 3. Last evaluated: 2024-10-22. Review status: criteria provided, single submitter. Criteria: Invitae Variant Classification Sherloc (09022015). Collection method: clinical testing. Allele origin: germline.
Comment: This sequence change replaces arginine, which is basic and polar, with histidine, which is basic and polar, at codon 163 of the SHH protein (p.Arg163His). This variant is present in population databases (rs141313715, gnomAD 0.003%). This variant has not been reported in the literature in individuals affected with SHH-related conditions. ClinVar contains an entry for this variant (Variation ID: 2183350). Invitae Evidence Modeling of protein sequence and biophysical properties (such as structural, functional, and spatial information, amino acid conservation, physicochemical variation, residue mobility, and thermodynamic stability) indicates that this missense variant is expected to disrupt SHH protein function with a positive predictive value of 80%. In summary, the available evidence is currently insufficient to determine the role of this variant in disease. Therefore, it has been classified as a Variant of Uncertain Significance.